The following is an entry in ClinVar:

NM_004360.5(CDH1):c.1321-6_1324del

Gene: CDH1 (cadherin 1; plus strand). Cytogenetic location: 16q22.1.
Variant type: Deletion.
Coding change: c.1321-6_1324del on transcript NM_004360.5 (MANE Select); 6 bases into the intron before coding-DNA position 1321 through coding-DNA position 1324, 10 bases deleted (CTCTAGGGCT; older notation c.1321-6_1324delCTCTAGGGCT).
Molecular consequence: splice acceptor variant.
Genome position (GRCh38, 1-based): chr16:68,815,509-68,815,518, CTCTAGGGCT deleted; deleting any 10 consecutive bases within chr16:68,815,506-68,815,518 gives the same sequence; the c. name uses the placement nearest the transcript's 3' end. VCF-style (leftmost placement, unchanged base first): chr16-68815505-TGCTCTCTAGG-T. GRCh37 (hg19) VCF-style: chr16-68849408-TGCTCTCTAGG-T.
Other names: c.-228-6_-225del (NM_001317185.2); c.-499-6_-496del (NM_001317186.2); c.1138-6_1141del (NM_001317184.2).
Identifiers: ClinVar variation 2583468 (VCV002583468.2), dbSNP rs2543930085, ClinGen allele CA2582342591.

ClinVar aggregate classification (germline): Likely pathogenic (1 of 4 stars; one submission).

Conditions:
Hereditary diffuse gastric adenocarcinoma (HDGC). Also called: DIFFUSE GASTRIC AND LOBULAR BREAST CANCER SYNDROME. Identifiers: Orphanet 26106, MedGen C1708349, MONDO:0007648, OMIM 137215.

Submission:

Myriad Genetics, Inc.
Classification: Likely pathogenic for Hereditary diffuse gastric adenocarcinoma. Last evaluated: 2023-06-13. Review status: criteria provided, single submitter. Criteria: Myriad Autosomal Dominant, Autosomal Recessive and X-Linked Classification Criteria (2023). Collection method: clinical testing. Allele origin: unknown.
Comment: This variant is considered likely pathogenic. This variant occurs within a consensus splice junction and is predicted to result in abnormal mRNA splicing of either an out-of-frame exon or an in-frame exon necessary for protein stability and/or normal function.